The following is an entry in ClinVar:

NM_015311.3(OBSL1):c.4181G>A (p.Arg1394His)

Gene: OBSL1 (obscurin like cytoskeletal adaptor 1; minus strand). Cytogenetic location: 2q35.
Variant type: single nucleotide variant.
Coding change: c.4181G>A on transcript NM_015311.3 (MANE Select); coding-DNA position 4181, G replaced by A.
Protein change: p.Arg1394His; replaces arginine 1394 with histidine.
Molecular consequence: missense variant.
Genome position (GRCh38, 1-based): chr2:219,556,609, C>T on the plus strand (G>A on the coding strand, the complement: OBSL1 is on the minus strand). VCF-style: chr2-219556609-C-T. GRCh37 (hg19) VCF-style: chr2-220421331-C-T.
Other names: c.4181G>A, p.Arg1394His (NM_001173431.2); short protein forms R1394H.
Identifiers: ClinVar variation 334479 (VCV000334479.7), dbSNP rs769302847, ClinGen allele CA2130639.

ClinVar aggregate classification (germline): Uncertain significance. Review status: criteria provided, multiple submitters, no conflicts (2 of 4 stars). 2 submissions from 2 submitters: Uncertain significance (2). Last evaluated 2025-12-22.

Conditions:
3M syndrome 2. Also called: 3-M Syndrome, OBSL1-Related; THREE M SYNDROME 2. Identifiers: Orphanet 2616, MedGen C2752041, MONDO:0013039, OMIM 612921.

Allele frequency attached by ClinVar (database versions not stated): gnomAD exomes 0.00002 and 0.00003; gnomAD 0.00004; TOPMed 0.00005; ExAC 0.00001.
gnomAD v4.1: 31 of 1,613,848 alleles (0.0019%); highest among the groups gnomAD compares: Admixed American, 0.013%; no homozygotes.

Submissions (2):

Labcorp Genetics (formerly Invitae), Labcorp
Classification: Uncertain significance. Last evaluated: 2025-12-22. Review status: criteria provided, single submitter. Criteria: Invitae Variant Classification Sherloc (09022015). Collection method: clinical testing. Allele origin: germline.
Comment: This sequence change replaces arginine, which is basic and polar, with histidine, which is basic and polar, at codon 1394 of the OBSL1 protein (p.Arg1394His). This variant is present in population databases (rs769302847, gnomAD 0.01%). This variant has not been reported in the literature in individuals affected with OBSL1-related conditions. ClinVar contains an entry for this variant (Variation ID: 334479). An algorithm developed to predict the effect of missense changes on protein structure and function outputs the following: PolyPhen-2: "Benign". The histidine amino acid residue is found in multiple mammalian species, which suggests that this missense change does not adversely affect protein function. In summary, the available evidence is currently insufficient to determine the role of this variant in disease. Therefore, it has been classified as a Variant of Uncertain Significance.

Illumina Laboratory Services, Illumina
Classification: Uncertain significance for 3M syndrome 2. Last evaluated: 2018-01-13. Review status: criteria provided, single submitter. Criteria: ICSL Variant Classification Criteria 13 December 2019. Collection method: clinical testing. Allele origin: germline.